The following is an entry in ClinVar:

NM_001048174.2(MUTYH):c.264G>A (p.Arg88=)

Gene: MUTYH (mutY DNA glycosylase; minus strand). Cytogenetic location: 1p34.1.
Variant type: single nucleotide variant.
Coding change: c.264G>A on transcript NM_001048174.2 (MANE Select); coding-DNA position 264, G replaced by A.
Protein change: p.Arg88=; no amino-acid change (arginine 88 retained).
Molecular consequence: synonymous variant. On other transcripts: 5 prime UTR variant (4), non-coding transcript variant (2).
Genome position (GRCh38, 1-based): chr1:45,333,413, C>T on the plus strand (G>A on the coding strand, the complement: MUTYH is on the minus strand). VCF-style: chr1-45333413-C-T. GRCh37 (hg19) VCF-style: chr1-45799085-C-T.
Other names: c.264G>A, p.Arg88= (NM_001048171.2, NM_001048173.2, NM_001293195.2); c.267G>A, p.Arg89= (NM_001048172.2); c.348G>A, p.Arg116= (NM_001128425.2); c.309G>A, p.Arg103= (NM_001293190.2); c.297G>A, p.Arg99= (NM_001293191.2); c.-13G>A (NM_001293192.2, NM_001293196.2); c.-8G>A (NM_001350650.2, NM_001350651.2); c.339G>A, p.Arg113= (NM_012222.3).
Identifiers: ClinVar variation 1022913 (VCV001022913.10), dbSNP rs1292833913, ClinGen allele CA417880365.

ClinVar aggregate classification (germline): Uncertain significance. Review status: criteria provided, multiple submitters, no conflicts (2 of 4 stars). 2 submissions from 2 submitters: Uncertain significance (2). Last evaluated 2025-01-28.

Conditions:
Hereditary cancer-predisposing syndrome. Also called: Neoplastic Syndromes, Hereditary; Hereditary Cancer Syndrome; Hereditary neoplastic syndrome; Tumor predisposition. Identifiers: Orphanet 140162, MedGen C0027672, MeSH D009386, MONDO:0015356.
Familial adenomatous polyposis 2. Also called: COLORECTAL ADENOMATOUS POLYPOSIS, AUTOSOMAL RECESSIVE; ADENOMAS, MULTIPLE COLORECTAL, AUTOSOMAL RECESSIVE; Adenomas, multiple colorectal; FAP type 2; MUTYH Polyposis; MUTYH-associated polyposis. Identifiers: Orphanet 220460, Orphanet 247798, MedGen C3272841, MONDO:0012041, OMIM 608456.

Allele frequency attached by ClinVar (database versions not stated): gnomAD exomes below 0.00001.
gnomAD v4.1: 1 of 1,614,218 alleles (0.000062%); highest among the groups gnomAD compares: South Asian, 0.0011%; no homozygotes.

Submissions (2):

Ambry Genetics
Classification: Uncertain significance for Hereditary cancer-predisposing syndrome. Last evaluated: 2025-01-28. Review status: criteria provided, single submitter. Criteria: Ambry Variant Classification Scheme 2023. Collection method: clinical testing. Allele origin: germline.
Comment: The c.348G>A variant (also known as p.R116R), located in coding exon 3 of the MUTYH gene, results from a G to A substitution at nucleotide position 348. This nucleotide substitution does not change the arginine at codon 116. However, this change occurs in the last base pair of coding exon 3, which makes it likely to have some effect on normal mRNA splicing. This nucleotide position is highly conserved in available vertebrate species. In silico splice site analysis predicts that this alteration will weaken the native splice donor site; however, direct evidence is insufficient at this time (Ambry internal data). Since supporting evidence is limited at this time, the clinical significance of this alteration remains unclear.

Labcorp Genetics (formerly Invitae), Labcorp
Classification: Uncertain significance for Familial adenomatous polyposis 2. Last evaluated: 2020-11-12. Review status: criteria provided, single submitter. Criteria: Invitae Variant Classification Sherloc (09022015). Collection method: clinical testing. Allele origin: germline.
Comment: In summary, the available evidence is currently insufficient to determine the role of this variant in disease. Therefore, it has been classified as a Variant of Uncertain Significance. Nucleotide substitutions within the consensus splice site are a relatively common cause of aberrant splicing (PMID: 17576681, 9536098). Algorithms developed to predict the effect of sequence changes on RNA splicing suggest that this variant may disrupt the consensus splice site, but this prediction has not been confirmed by published transcriptional studies. This variant has not been reported in the literature in individuals with MUTYH-related conditions. This variant is not present in population databases (ExAC no frequency). This sequence change affects codon 116 of the MUTYH mRNA. It is a 'silent' change, meaning that it does not change the encoded amino acid sequence of the MUTYH protein. This variant also falls at the last nucleotide of exon 3 of the MUTYH coding sequence, which is part of the consensus splice site for this exon.

Literature cited by the submitters: PubMed 17576681 (cited by Labcorp Genetics (formerly Invitae), Labcorp); PubMed 9536098 (cited by Labcorp Genetics (formerly Invitae), Labcorp).